The following is an entry in ClinVar:

ClinVar aggregate classification (germline): Uncertain significance (1 of 4 stars; one submission).

Conditions:
Hereditary cancer-predisposing syndrome. Also called: Neoplastic Syndromes, Hereditary; Tumor predisposition; Hereditary Cancer Syndrome; Hereditary neoplastic syndrome. Identifiers: Orphanet 140162, MedGen C0027672, MeSH D009386, MONDO:0015356.

Submission:

Ambry Genetics
Classification: Uncertain significance for Hereditary cancer-predisposing syndrome. Last evaluated: 2022-01-16. Review status: criteria provided, single submitter. Criteria: Ambry Variant Classification Scheme 2023. Collection method: clinical testing. Allele origin: germline.
Comment: The p.I1013M variant (also known as c.3039A>G), located in coding exon 20 of the RAD50 gene, results from an A to G substitution at nucleotide position 3039. The isoleucine at codon 1013 is replaced by methionine, an amino acid with highly similar properties. This amino acid position is conserved. In addition, this alteration is predicted to be tolerated by in silico analysis. Since supporting evidence is limited at this time, the clinical significance of this alteration remains unclear.

NM_005732.4(RAD50):c.3039A>G (p.Ile1013Met)

Gene: RAD50 (RAD50 double strand break repair protein; plus strand). Cytogenetic location: 5q31.1.
Variant type: single nucleotide variant.
Coding change: c.3039A>G on transcript NM_005732.4 (MANE Select); coding-DNA position 3039, A replaced by G.
Protein change: p.Ile1013Met; replaces isoleucine 1013 with methionine.
Molecular consequence: missense variant.
Genome position (GRCh38, 1-based): chr5:132,616,005, A>G. VCF-style: chr5-132616005-A-G. GRCh37 (hg19) VCF-style: chr5-131951697-A-G.
Other names: short protein forms I1013M.
Identifiers: ClinVar variation 1799111 (VCV001799111.2), dbSNP rs2479384239, ClinGen allele CA360963377.